The following is an entry in ClinVar:

NM_016417.3(GLRX5):c.80C>G (p.Pro27Arg)

Gene: GLRX5 (glutaredoxin 5; plus strand). Cytogenetic location: 14q32.13.
Variant type: single nucleotide variant.
Coding change: c.80C>G on transcript NM_016417.3 (MANE Select); coding-DNA position 80, C replaced by G.
Protein change: p.Pro27Arg; replaces proline 27 with arginine.
Molecular consequence: missense variant.
Genome position (GRCh38, 1-based): chr14:95,535,169, C>G. VCF-style: chr14-95535169-C-G. GRCh37 (hg19) VCF-style: chr14-96001506-C-G.
Other names: short protein forms P27R.
Identifiers: ClinVar variation 3901374 (VCV003901374.1).

ClinVar aggregate classification (germline): Uncertain significance (1 of 4 stars; one submission).

gnomAD v4.1: 3 of 1,451,016 alleles (0.00021%); highest among the groups gnomAD compares: South Asian, 0.0027%; no homozygotes.

Submission:

GeneDx
Classification: Uncertain significance. Last evaluated: 2024-12-09. Review status: criteria provided, single submitter. Criteria: GeneDx Variant Classification Process June 2021. Collection method: clinical testing. Allele origin: germline. Affected: yes.
Comment: Not observed at significant frequency in large population cohorts (gnomAD); In silico analysis indicates that this missense variant does not alter protein structure/function; Has not been previously published as pathogenic or benign to our knowledge